The following is an entry in ClinVar:

ClinVar aggregate classification (germline): Uncertain significance (1 of 4 stars; one submission).

Conditions:
Isolated microphthalmia 5. Also called: Posterior Microphthalmia with Retinitis Pigmentosa, Foveoschisis, and Optic Disc Drusen. Identifiers: Orphanet 251279, MedGen C1970236, MONDO:0012605, OMIM 611040.

Allele frequency attached by ClinVar (database versions not stated): TOPMed below 0.00001; gnomAD 0.00001; ESP Exome Variant Server 0.00008.
gnomAD v4.1: 1 of 1,605,046 alleles (0.000062%); highest among the groups gnomAD compares: African/African-American, 0.0013%; no homozygotes.

Submission:

Labcorp Genetics (formerly Invitae), Labcorp
Classification: Uncertain significance for Isolated microphthalmia 5. Last evaluated: 2022-08-19. Review status: criteria provided, single submitter. Criteria: Invitae Variant Classification Sherloc (09022015). Collection method: clinical testing. Allele origin: germline.
Comment: This sequence change replaces glycine, which is neutral and non-polar, with glutamic acid, which is acidic and polar, at codon 217 of the MFRP protein (p.Gly217Glu). This variant is not present in population databases (gnomAD no frequency). This variant has not been reported in the literature in individuals affected with MFRP-related conditions. Algorithms developed to predict the effect of missense changes on protein structure and function (SIFT, PolyPhen-2, Align-GVGD) all suggest that this variant is likely to be disruptive. In summary, the available evidence is currently insufficient to determine the role of this variant in disease. Therefore, it has been classified as a Variant of Uncertain Significance.

NM_031433.4(MFRP):c.650G>A (p.Gly217Glu)

Genes: C1QTNF5 (C1q and TNF related 5; minus strand), MFRP (membrane frizzled-related protein; minus strand). Cytogenetic location: 11q23.3.
Variant type: single nucleotide variant.
Coding change: c.650G>A on transcript NM_031433.4 (MANE Select); coding-DNA position 650, G replaced by A.
Protein change: p.Gly217Glu; replaces glycine 217 with glutamic acid.
Molecular consequence: missense variant. On other transcripts: 5 prime UTR variant (1).
Genome position (GRCh38, 1-based): chr11:119,344,996, C>T on the plus strand (G>A on the coding strand, the complement: MFRP is on the minus strand). VCF-style: chr11-119344996-C-T. GRCh37 (hg19) VCF-style: chr11-119215706-C-T.
Other names: c.-1987G>A (NM_015645.5); short protein forms G217E.
Identifiers: ClinVar variation 2421232 (VCV002421232.4), dbSNP rs371935507, ClinGen allele CA229677691.
Genomic context (GRCh38, chr11:119,344,996, plus strand): 5'-GAGACGAAGACCACCAGGAGGTGGCTGGCATTGGTGTTGAGCGTGGGGGGAGGCACCCTT[C>T]CACAAACCCTGCAAGAAGCCAGGTTGGGGGTGAGGGAGGCTCCAAGAGCAGGGTCAGCCA-3'
Protein context (NP_113621.1, residues 207-227): EPEGPLLRVC[Gly217Glu]RVPPPTLNTN